The following is an entry in ClinVar:

ClinVar aggregate classification (germline): Conflicting classifications of pathogenicity. Review status: criteria provided, conflicting classifications (1 of 4 stars). 6 submissions from 6 submitters: Uncertain significance (1); Benign (3); Likely benign (2). Last evaluated 2026-01-06.

Conditions:
Inborn genetic diseases. Identifiers: MedGen C0950123, MeSH D030342.
Coffin-Siris syndrome 1 (CSS1). Also called: ARID1B-Related Coffin-Siris Syndrome; Mental retardation, autosomal dominant 12. Identifiers: Orphanet 1465, MedGen C3281201, MONDO:0007617, OMIM 135900. Disease mechanism: gain of function.

Allele frequency attached by ClinVar (database versions not stated): gnomAD below 0.00001 and 0.00041; TOPMed 0.00004; gnomAD exomes 0.00065 and 0.00134; ExAC 0.00163; 1000 Genomes Project 30x 0.00375; 1000 Genomes Project 0.00399.
gnomAD v4.1: 990 of 1,610,524 alleles (0.061%); highest among the groups gnomAD compares: South Asian, 1%; 16 homozygotes.

Submissions (6):

Labcorp Genetics (formerly Invitae), Labcorp
Classification: Benign. Last evaluated: 2026-01-06. Review status: criteria provided, single submitter. Criteria: Invitae Variant Classification Sherloc (09022015). Collection method: clinical testing. Allele origin: germline.

CeGaT Center for Human Genetics Tuebingen
Classification: Benign. Last evaluated: 2025-09-01. Review status: criteria provided, single submitter. Criteria: CeGaT Center For Human Genetics Tuebingen Variant Classification Criteria Version 2. Collection method: clinical testing. Allele origin: germline. Affected: yes. Observed: 3 variant alleles.
Comment: ARID1B: BP4, BP7, BS1, BS2

Genome-Nilou Lab
Classification: Likely benign for Coffin-Siris syndrome 1. Last evaluated: 2021-07-15. Review status: criteria provided, single submitter. Criteria: ACMG Guidelines, 2015. Collection method: clinical testing. Allele origin: germline. Affected: no.

GeneDx
Classification: Likely benign. Last evaluated: 2021-06-07. Review status: criteria provided, single submitter. Criteria: GeneDx Variant Classification Process June 2021. Collection method: clinical testing. Allele origin: germline. Affected: yes.

Ambry Genetics
Classification: Benign for Inborn genetic diseases. Last evaluated: 2017-04-17. Review status: criteria provided, single submitter. Criteria: Ambry Variant Classification Scheme 2023. Collection method: clinical testing. Allele origin: germline.

Genetic Services Laboratory, University of Chicago
Classification: Uncertain significance. Last evaluated: 2015-02-11. Review status: criteria provided, single submitter. Criteria: ACMG Guidelines, 2015. Collection method: clinical testing. Allele origin: germline.

NM_001374828.1(ARID1B):c.3195G>A (p.Pro1065=)

Gene: ARID1B (AT-rich interaction domain 1B; plus strand). Cytogenetic location: 6q25.3.
Variant type: single nucleotide variant.
Coding change: c.3195G>A on transcript NM_001374828.1 (MANE Select); coding-DNA position 3195, G replaced by A.
Protein change: p.Pro1065=; no amino-acid change (proline 1065 retained).
Molecular consequence: synonymous variant.
Genome position (GRCh38, 1-based): chr6:157,167,145, G>A. VCF-style: chr6-157167145-G-A. GRCh37 (hg19) VCF-style: chr6-157488279-G-A.
Other names: c.2985G>A, p.Pro995= (NM_020732.3); c.696G>A, p.Pro232= (NM_001363725.2); c.3234G>A, p.Pro1078= (NM_001371656.1, NM_001374820.1); c.3195G>A, p.Pro1065= (NM_017519.3).
Identifiers: ClinVar variation 210279 (VCV000210279.41), dbSNP rs537901478, ClinGen allele CA206652.